The following is an entry in ClinVar:

ClinVar aggregate classification (germline): Likely benign. Review status: criteria provided, single submitter (1 of 4 stars). 2 submissions from 2 submitters: Likely benign (1). 1 of the submissions does not count toward it. Last evaluated 2024-01-15.

Conditions:
CNOT1-related disorder. Also called: CNOT1-related condition.

Allele frequency attached by ClinVar (database versions not stated): gnomAD exomes 0.00001; ExAC 0.00007; gnomAD 0.00011; TOPMed 0.00014; 1000 Genomes Project 30x 0.00016; 1000 Genomes Project 0.00020; ESP Exome Variant Server 0.00023.
gnomAD v4.1: 31 of 1,481,416 alleles (0.0021%); highest among the groups gnomAD compares: African/African-American, 0.042%; no homozygotes.

Submissions (2):

Labcorp Genetics (formerly Invitae), Labcorp
Classification: Likely benign. Last evaluated: 2024-01-15. Review status: criteria provided, single submitter. Criteria: Invitae Variant Classification Sherloc (09022015). Collection method: clinical testing. Allele origin: germline.

PreventionGenetics, part of Exact Sciences
Classification: Likely benign for CNOT1-related condition. Last evaluated: 2019-07-31. Review status: no assertion criteria provided. Collection method: clinical testing. Allele origin: germline. Not counted in ClinVar's aggregate classification.
Comment: This variant is classified as likely benign based on ACMG/AMP sequence variant interpretation guidelines (Richards et al. 2015 PMID: 25741868, with internal and published modifications).

NM_016284.5(CNOT1):c.4497T>C (p.Asn1499=)

Gene: CNOT1 (CCR4-NOT transcription complex subunit 1; minus strand). Cytogenetic location: 16q21.
Variant type: single nucleotide variant.
Coding change: c.4497T>C on transcript NM_016284.5 (MANE Select); coding-DNA position 4497, T replaced by C.
Protein change: p.Asn1499=; no amino-acid change (asparagine 1499 retained).
Molecular consequence: synonymous variant. On other transcripts: non-coding transcript variant (1).
Genome position (GRCh38, 1-based): chr16:58,542,506, A>G on the plus strand (T>C on the coding strand, the complement: CNOT1 is on the minus strand). VCF-style: chr16-58542506-A-G. GRCh37 (hg19) VCF-style: chr16-58576410-A-G.
Other names: c.4482T>C, p.Asn1494= (NM_001265612.2); c.4497T>C (NM_016284.4).
Identifiers: ClinVar variation 2178420 (VCV002178420.6), dbSNP rs148292698, ClinGen allele CA8089070.
Genomic context (GRCh38, chr16:58,542,506, plus strand): 5'-CATCTCAGGGCCTGCTTTTTCTACTGCAGTCTTCTGAATAAAACAGCAAGCCAACTCACA[A>G]TTGTCCTGAGCTAATTGAGCAGCTGCCTGATCCATCATTTCTCTTTGTTGTGGGGAAGCA-3'
Protein context (NP_057368.3, residues 1489-1509): DQAAAQLAQD[Asn1499=]CELACCFIQK